The following is an entry in ClinVar:

NM_005228.5(EGFR):c.2543C>T (p.Pro848Leu)

Gene: EGFR (epidermal growth factor receptor; plus strand). Cytogenetic location: 7p11.2.
Variant type: single nucleotide variant.
Coding change: c.2543C>T on transcript NM_005228.5 (MANE Select); coding-DNA position 2543, C replaced by T.
Protein change: p.Pro848Leu; replaces proline 848 with leucine.
Molecular consequence: missense variant.
Genome position (GRCh38, 1-based): chr7:55,191,792, C>T. VCF-style: chr7-55191792-C-T. GRCh37 (hg19) VCF-style: chr7-55259485-C-T.
Other names: c.2408C>T, p.Pro803Leu (NM_001346897.2, NM_001346899.2); c.2543C>T, p.Pro848Leu (NM_001346898.2); c.2384C>T, p.Pro795Leu (NM_001346900.2); c.1742C>T, p.Pro581Leu (NM_001346941.2); c.2543C>T (NM_005228.4); short protein forms P848L, P803L, P581L, P795L.
Identifiers: ClinVar variation 45282 (VCV000045282.27), dbSNP rs148934350, ClinGen allele CA135927.

ClinVar aggregate classification (germline): Conflicting classifications of pathogenicity. Review status: criteria provided, conflicting classifications (1 of 4 stars). 10 submissions from 10 submitters: Uncertain significance (3); Benign (1); Likely benign (5). 1 of the submissions does not count toward it. Last evaluated 2026-01-28.

Conditions:
Lung cancer. Also called: Lung cancer, somatic; Malignant tumor of lung. Identifiers: MedGen C0242379, MONDO:0008903, OMIM 211980.
EGFR-related disorder. Also called: EGFR-related condition.
Hereditary cancer-predisposing syndrome. Also called: Hereditary Cancer Syndrome; Neoplastic Syndromes, Hereditary; Hereditary neoplastic syndrome; Tumor predisposition. Identifiers: Orphanet 140162, MedGen C0027672, MeSH D009386, MONDO:0015356.
EGFR-related lung cancer (EGFR). Identifiers: MedGen CN130014.
Lung carcinoma. Identifiers: MedGen C0684249, MONDO:0005138.

Allele frequency attached by ClinVar (database versions not stated): gnomAD 0.00026; TOPMed 0.00027; ExAC 0.00046; ESP Exome Variant Server 0.00046.
gnomAD v4.1: 602 of 1,613,922 alleles (0.037%); highest among the groups gnomAD compares: Non-Finnish European, 0.047%; no homozygotes.

Submissions (10):

Labcorp Genetics (formerly Invitae), Labcorp
Classification: Likely benign for EGFR-related lung cancer. Last evaluated: 2026-01-28. Review status: criteria provided, single submitter. Criteria: Invitae Variant Classification Sherloc (09022015). Collection method: clinical testing. Allele origin: germline.

PreventionGenetics, part of Exact Sciences
Classification: Likely benign for EGFR-related condition. Last evaluated: 2025-10-13. Review status: criteria provided, single submitter. Criteria: ACMG Guidelines, 2015. Collection method: clinical testing. Allele origin: germline.
Comment: This variant is classified as likely benign based on ACMG/AMP sequence variant interpretation guidelines (Richards et al. 2015 PMID: 25741868, with internal and published modifications).

Ambry Genetics
Classification: Likely benign for Hereditary cancer-predisposing syndrome. Last evaluated: 2024-08-23. Review status: criteria provided, single submitter. Criteria: Ambry Variant Classification Scheme 2023. Collection method: clinical testing. Allele origin: germline.

Quest Diagnostics Nichols Institute San Juan Capistrano
Classification: Benign. Last evaluated: 2023-05-01. Review status: criteria provided, single submitter. Criteria: Quest Diagnostics criteria. Collection method: clinical testing. Allele origin: unknown.

GeneDx
Classification: Uncertain significance. Last evaluated: 2022-03-14. Review status: criteria provided, single submitter. Criteria: GeneDx Variant Classification Process June 2021. Collection method: clinical testing. Allele origin: germline. Affected: yes.
Comment: In silico analysis supports that this missense variant has a deleterious effect on protein structure/function; Identified in the germline of individuals with lung cancer, glioma, and retinoblastoma (Sequist 2006, Prim 2014, Akhavanfard 2021); Published functional studies demonstrate reduced/absent auto-phosphorylation, kinase activity, and capacity to bind c-Cbl (de Gunst 2007, Sarcar 2019); This variant is associated with the following publications: (PMID: 22848293, 17877814, 25176975, 16857818, 33326033, 31314158)

Institute for Clinical Genetics, University Hospital TU Dresden, University Hospital TU Dresden
Classification: Uncertain significance. Last evaluated: 2021-11-03. Review status: criteria provided, single submitter. Criteria: ACMG Guidelines, 2015. Collection method: clinical testing. Allele origin: germline.

Sema4
Classification: Uncertain significance for Hereditary cancer-predisposing syndrome. Last evaluated: 2021-11-01. Review status: criteria provided, single submitter. Criteria: Sema4 Curation Guidelines. Collection method: curation. Allele origin: germline.
Comment: The EGFR c.2543C>T (p.P848L) variant has been reported in heterozygosity in at least two individuals with lung cancer (PMID: 16857818, 25176975). It has also been reported in individuals with adrenocortical carcinoma, retinoblastoma, and high-grade glioma (PMID: 33326033). Functional analyses revealed resistance to tyrosine kinase inhibitors (TKIs) comparable to wild-type in P848L-driven Ba/F3 cells, following transfection in YFP-tagged fragment of the EGFR intracellular domain, and following treatment with gefitinib treatment in vitro; however, P848L-driven Ba/F3 cells were found to be sensitive to Janus kinase 1/2 (JAK1/2) inhibitors (PMID: 17877814, 22848293, 31314158). In silico predictions of the variant's effect on protein function are inconclusive. This variant was observed in 80/129100 chromosomes in the Non-Finnish European population, with no homozygotes, according to the Genome Aggregation Database (PMID: 32461654). The variant has been reported in ClinVar (Variation ID 45282). The evidence is insufficient to meet ACMG/AMP criteria for classifying the variant as benign or pathogenic. Thus, the clinical significance of this variant is currently uncertain.

Mendelics
Classification: Likely benign for Lung cancer. Last evaluated: 2019-05-28. Review status: criteria provided, single submitter. Criteria: Mendelics Assertion Criteria 2017. Collection method: clinical testing. Allele origin: unknown.

Laboratory for Molecular Medicine, Mass General Brigham Personalized Medicine
Classification: Likely benign. Last evaluated: 2013-07-11. Review status: criteria provided, single submitter. Criteria: LMM Criteria. Collection method: clinical testing. Allele origin: somatic. Observed: 3 variant alleles.
Comment: Pro848Leu variant in Exon 21 of EGFR: This variant is not expected to have clinical significance because iIn vitro studies suggest that this variant does not activate EGFR activity and does not render the protein sensitive to tyrosine kinase inhibitors (TKIs) (De Gunst 2007, Han 2011). It has been previously identified in both tumor and normal tissue in an individuals with lung cancer (Sequist 2007), and it has been identified in 0.06% (6/8600) of European American chromosomes by the NHLBI Exome Sequencing Project (dbSNP rs148934350).

Genetic Services Laboratory, University of Chicago
Classification: Uncertain significance. Last evaluated: 2022-06-08. Review status: no assertion criteria provided. Collection method: clinical testing. Allele origin: germline. Affected: no. Not counted in ClinVar's aggregate classification.
Comment: DNA sequence analysis of the EGFR gene demonstrated a sequence change, c.2543C>T, in exon 21 that results in an amino acid change, p.Pro848Leu. This sequence change has been previously described in individuals with non-small cell lung cancer (NSCLC) (PMID: 25176975,16857818,22848293). In vitro functional studies have suggested that this variant is not a kinase activating mutation and showed a response to tyrosine kinase inhibitors, similar to the wild-type (PMID: 17877814, 22848293). This sequence change has been described in the gnomAD database with a frequency of 0.06% in the European subpopulation (dbSNP rs148934350). The p.Pro848Leu change affects a highly conserved amino acid residue located in a domain of the EGFR protein that is known to be functional. In-silico pathogenicity prediction tools (SIFT, PolyPhen2, Align GVGD, REVEL) provide contradictory results for the p.Pro848Leu substitution. Due to insufficient evidences and the lack of functional studies, the clinical significance of the p.Pro848Leu change remains unknown at this time.

Literature cited by the submitters: PubMed 33326033 (cited by Quest Diagnostics Nichols Institute San Juan Capistrano and Sema4); PubMed 16857818 (cited by Quest Diagnostics Nichols Institute San Juan Capistrano and Sema4); PubMed 25176975 (cited by Quest Diagnostics Nichols Institute San Juan Capistrano and Sema4); PubMed 17877814 (cited by 3 submitters); PubMed 22848293 (cited by 3 submitters); PubMed 31314158 (cited by Quest Diagnostics Nichols Institute San Juan Capistrano and Sema4); PubMed 17285735 (cited by Laboratory for Molecular Medicine, Mass General Brigham Personalized Medicine).